The following is an entry in ClinVar:

NM_001356.5(DDX3X):c.878C>T (p.Ser293Phe)

Gene: DDX3X (DEAD-box helicase 3 X-linked; plus strand). Cytogenetic location: Xp11.4.
Variant type: single nucleotide variant.
Coding change: c.878C>T on transcript NM_001356.5 (MANE Select); coding-DNA position 878, C replaced by T.
Protein change: p.Ser293Phe; replaces serine 293 with phenylalanine.
Molecular consequence: missense variant. On other transcripts: non-coding transcript variant (1).
Genome position (GRCh38, 1-based): chrX:41,344,252, C>T. VCF-style: chrX-41344252-C-T. GRCh37 (hg19) VCF-style: chrX-41203505-C-T.
Other names: c.878C>T, p.Ser293Phe (NM_001193416.3); c.830C>T, p.Ser277Phe (NM_001193417.3); c.320C>T, p.Ser107Phe (NM_001363819.1); short protein forms S107F, S277F, S293F.
Identifiers: ClinVar variation 2545947 (VCV002545947.2), dbSNP rs2519515024, ClinGen allele CA412770644.
Genomic context (GRCh38, chrX:41,344,252, plus strand): 5'-TGTAAAAATTTTGACCTTGAAGTTCATAACATTTTTTTTGCTTATAGTTTTCATACCGAT[C>T]TAGAGTTCGTCCTTGCGTGGTTTATGGTGGTGCCGATATTGGTCAGCAGATTCGAGACTT-3'
Protein context (NP_001347.3, residues 283-303): YEEARKFSYR[Ser293Phe]RVRPCVVYGG

ClinVar aggregate classification (germline): Likely pathogenic (1 of 4 stars; one submission).

Conditions:
Inborn genetic diseases. Identifiers: MedGen C0950123, MeSH D030342.

Submission:

Ambry Genetics
Classification: Likely pathogenic for Inborn genetic diseases. Last evaluated: 2023-06-12. Review status: criteria provided, single submitter. Criteria: Ambry Variant Classification Scheme 2023. Collection method: clinical testing. Allele origin: germline.
Comment: The c.878C>T (p.S293F) alteration is located in exon 10 (coding exon 10) of the DDX3X gene. This alteration results from a C to T substitution at nucleotide position 878, causing the serine (S) at amino acid position 293 to be replaced by a phenylalanine (F). This variant was not reported in population-based cohorts in the Genome Aggregation Database (gnomAD). This amino acid position is highly conserved in available vertebrate species. This missense alteration is located in a region that has a low rate of benign missense variation (Lek, 2016; Firth, 2009). The in silico prediction for this alteration is inconclusive. Based on the available evidence, this alteration is classified as likely pathogenic.

Literature cited by the submitters: PubMed 32135084.